The following is an entry in ClinVar:

NM_004463.3(FGD1):c.2514G>A (p.Trp838Ter)

Genes: TSR2 (TSR2 ribosome maturation factor; plus strand), FGD1 (FYVE, RhoGEF and PH domain containing 1; minus strand). Cytogenetic location: Xp11.22.
Variant type: single nucleotide variant.
Coding change: c.2514G>A on transcript NM_004463.3 (MANE Select); coding-DNA position 2514, G replaced by A.
Protein change: p.Trp838Ter; replaces tryptophan 838 with a stop codon.
Molecular consequence: nonsense. On other transcripts: 3 prime UTR variant (5).
Genome position (GRCh38, 1-based): chrX:54,447,377, C>T on the plus strand (G>A on the coding strand, the complement: FGD1 is on the minus strand). VCF-style: chrX-54447377-C-T. GRCh37 (hg19) VCF-style: chrX-54473810-C-T.
Other names: c.*2827C>T (NM_001346789.2, NM_001346790.2, NM_001346791.2 and 2 more transcripts); short protein forms W838*.
Identifiers: ClinVar variation 1709736 (VCV001709736.2), dbSNP rs2522688358, ClinGen allele CA413358512.

ClinVar aggregate classification (germline): Likely pathogenic (1 of 4 stars; one submission).

Conditions:
Aarskog syndrome (AAS). Also called: FGD1-Related Faciogenital Dysplasia (Aarskog-Scott Syndrome); FGDY; Aarskog Scott syndrome; Aarskog disease; Aarskog-Scott syndrome, X-linked. Identifiers: Orphanet 915, MedGen C0175701, MONDO:0010589, OMIM 305400.

Submission:

MGZ Medical Genetics Center
Classification: Likely pathogenic for Aarskog syndrome. Last evaluated: 2022-08-19. Review status: criteria provided, single submitter. Criteria: ACMG Guidelines, 2015. Collection method: clinical testing. Allele origin: germline. Affected: yes. Observed: 1 variant allele.
Comment: ACMG criteria applied: PVS1, PM2_SUP